The following is an entry in ClinVar:

NM_001199138.2(NLRC4):c.1777G>A (p.Asp593Asn)

Gene: NLRC4 (NLR family CARD domain containing 4; minus strand). Cytogenetic location: 2p22.3.
Variant type: single nucleotide variant.
Coding change: c.1777G>A on transcript NM_001199138.2 (MANE Select); coding-DNA position 1777, G replaced by A.
Protein change: p.Asp593Asn; replaces aspartic acid 593 with asparagine.
Molecular consequence: missense variant. On other transcripts: intron variant (1).
Genome position (GRCh38, 1-based): chr2:32,250,087, C>T on the plus strand (G>A on the coding strand, the complement: NLRC4 is on the minus strand). VCF-style: chr2-32250087-C-T. GRCh37 (hg19) VCF-style: chr2-32475156-C-T.
Other names: c.1777G>A, p.Asp593Asn (NM_001199139.2, NM_021209.5); c.262+2332G>A (NM_001302504.1); short protein forms D593N.
Identifiers: ClinVar variation 2934710 (VCV002934710.3), dbSNP rs774834511, ClinGen allele CA1601928.
Genomic context (GRCh38, chr2:32,250,087, plus strand): 5'-TAATGAAGTCCAGGGCACTTGCACAATTGGGCAAATGTTCAAAGAAGTCAAATAAGTAAT[C>T]GGGGATGTTCCCTGAGTTGATATATAAGCTTTTACCTTGAAAGAAAGCTTCAAATTCTTG-3'
Protein context (NP_001186067.1, residues 583-603): SLYINSGNIP[Asp593Asn]YLFDFFEHLP

ClinVar aggregate classification (germline): Uncertain significance (1 of 4 stars; one submission).

Conditions:
Periodic fever-infantile enterocolitis-autoinflammatory syndrome. Also called: Autoinflammation with infantile enterocolitis. Identifiers: Orphanet 436166, MedGen C4015067, MONDO:0014472, OMIM 616050.
Familial cold autoinflammatory syndrome 4 (FCAS4). Identifiers: Orphanet 47045, Orphanet 576349, MedGen C4015276, MONDO:0014498, OMIM 616115.

Allele frequency attached by ClinVar (database versions not stated): gnomAD 0.00001; ExAC 0.00002; gnomAD exomes 0.00001; TOPMed 0.00001.
gnomAD v4.1: 23 of 1,613,982 alleles (0.0014%); highest among the groups gnomAD compares: Admixed American, 0.005%; no homozygotes.

Submission:

Labcorp Genetics (formerly Invitae), Labcorp
Classification: Uncertain significance for Periodic fever-infantile enterocolitis-autoinflammatory syndrome; Familial cold autoinflammatory syndrome 4. Last evaluated: 2023-07-17. Review status: criteria provided, single submitter. Criteria: Invitae Variant Classification Sherloc (09022015). Collection method: clinical testing. Allele origin: germline.
Comment: In summary, the available evidence is currently insufficient to determine the role of this variant in disease. Therefore, it has been classified as a Variant of Uncertain Significance. An algorithm developed to predict the effect of missense changes on protein structure and function (PolyPhen-2) suggests that this variant is likely to be tolerated. This variant has not been reported in the literature in individuals affected with NLRC4-related conditions. This variant is present in population databases (rs774834511, gnomAD 0.006%). This sequence change replaces aspartic acid, which is acidic and polar, with asparagine, which is neutral and polar, at codon 593 of the NLRC4 protein (p.Asp593Asn).